The following is an entry in ClinVar:

NM_198253.3(TERT):c.718C>T (p.Arg240Cys)

Gene: TERT (telomerase reverse transcriptase; minus strand). Cytogenetic location: 5p15.33.
Variant type: single nucleotide variant.
Coding change: c.718C>T on transcript NM_198253.3 (MANE Select); coding-DNA position 718, C replaced by T.
Protein change: p.Arg240Cys; replaces arginine 240 with cysteine.
Molecular consequence: missense variant. On other transcripts: non-coding transcript variant (2).
Genome position (GRCh38, 1-based): chr5:1,294,168, G>A on the plus strand (C>T on the coding strand, the complement: TERT is on the minus strand). VCF-style: chr5-1294168-G-A. GRCh37 (hg19) VCF-style: chr5-1294283-G-A.
Other names: c.718C>T (NM_198253.2); c.718C>T, p.Arg240Cys (NM_001193376.3); short protein forms R240C.
Identifiers: ClinVar variation 1404633 (VCV001404633.7), dbSNP rs1252662816, ClinGen allele CA359056962.

ClinVar aggregate classification (germline): Uncertain significance. Review status: criteria provided, multiple submitters, no conflicts (2 of 4 stars). 2 submissions from 2 submitters: Uncertain significance (2). Last evaluated 2023-10-22.

Conditions:
Dyskeratosis congenita. Identifiers: Orphanet 1775, MedGen C0265965, MONDO:0015780.
Idiopathic Pulmonary Fibrosis. Also called: Idiopathic fibrosing alveolitis, chronic form; idiopathic fibrosing alveolitis. Identifiers: Orphanet 2032, MedGen C1800706, MeSH D054990, MONDO:0800504.
Dyskeratosis congenita, autosomal dominant 2. Identifiers: MedGen C3151443, MONDO:0013521, OMIM 613989.

Allele frequency attached by ClinVar (database versions not stated): gnomAD exomes below 0.00001.

Submissions (2):

Ambry Genetics
Classification: Uncertain significance for Dyskeratosis congenita. Last evaluated: 2023-10-22. Review status: criteria provided, single submitter. Criteria: Ambry Variant Classification Scheme 2023. Collection method: clinical testing. Allele origin: germline.
Comment: The p.R240C variant (also known as c.718C>T), located in coding exon 2 of the TERT gene, results from a C to T substitution at nucleotide position 718. The arginine at codon 240 is replaced by cysteine, an amino acid with highly dissimilar properties. This amino acid position is conserved. In addition, this alteration is predicted to be tolerated by in silico analysis. Since supporting evidence is limited at this time, the clinical significance of this alteration remains unclear.

Labcorp Genetics (formerly Invitae), Labcorp
Classification: Uncertain significance for Dyskeratosis congenita, autosomal dominant 2; Idiopathic Pulmonary Fibrosis. Last evaluated: 2020-11-10. Review status: criteria provided, single submitter. Criteria: Invitae Variant Classification Sherloc (09022015). Collection method: clinical testing. Allele origin: germline.
Comment: This sequence change replaces arginine with cysteine at codon 240 of the TERT protein (p.Arg240Cys). The arginine residue is weakly conserved and there is a large physicochemical difference between arginine and cysteine. This variant is not present in population databases (ExAC no frequency). In summary, the available evidence is currently insufficient to determine the role of this variant in disease. Therefore, it has been classified as a Variant of Uncertain Significance. Algorithms developed to predict the effect of sequence changes on RNA splicing suggest that this variant may create or strengthen a splice site, but this prediction has not been confirmed by published transcriptional studies. Advanced modeling of protein sequence and biophysical properties (such as structural, functional, and spatial information, amino acid conservation, physicochemical variation, residue mobility, and thermodynamic stability) performed at Invitae indicates that this missense variant is not expected to disrupt TERT protein function. This variant has not been reported in the literature in individuals with TERT-related conditions.